The following is an entry in ClinVar:

ClinVar aggregate classification (germline): Likely pathogenic (1 of 4 stars; one submission).

Conditions:
Cutis laxa with severe pulmonary, gastrointestinal and urinary anomalies. Also called: Cutis laxa, autosomal recessive, type IC; LTBP4-Related Cutis Laxa; URBAN-RIFKIN-DAVIS SYNDROME. Identifiers: Orphanet 221145, MedGen C2750804, MONDO:0013170, OMIM 613177. Disease mechanism: loss of function.

Submission:

Institute of Immunology and Genetics Kaiserslautern
Classification: Likely pathogenic for Cutis laxa with severe pulmonary, gastrointestinal and urinary anomalies. Last evaluated: 2025-06-04. Review status: criteria provided, single submitter. Criteria: ACMG Guidelines, 2015. Collection method: clinical testing. Allele origin: germline.
Comment: ACMG Criteria: PVS1, PM2; Variant was found in heterozygous state.

NM_001042545.2(LTBP4):c.2T>C (p.Met1Thr)

Genes: LTBP4 (latent transforming growth factor beta binding protein 4; plus strand), LOC130064472 (ATAC-STARR-seq lymphoblastoid silent region 10636; plus strand). Cytogenetic location: 19q13.2.
Variant type: single nucleotide variant.
Coding change: c.2T>C on transcript NM_001042545.2 (MANE Select); coding-DNA position 2, T replaced by C.
Protein change: p.Met1Thr; changes the start codon (methionine 1).
Molecular consequence: missense variant, initiator codon variant. On other transcripts: intron variant (2).
Genome position (GRCh38, 1-based): chr19:40,601,389, T>C. VCF-style: chr19-40601389-T-C. GRCh37 (hg19) VCF-style: chr19-41107295-T-C.
Other names: c.340+1212T>C (NM_003573.2); c.451+1212T>C (NM_001042544.1); short protein forms M1T.
Identifiers: ClinVar variation 4074735 (VCV004074735.1).